The following is an entry in ClinVar:

NM_022455.5(NSD1):c.4473G>T (p.Ser1491=)

Gene: NSD1 (nuclear receptor binding SET domain protein 1; plus strand). Cytogenetic location: 5q35.3.
Variant type: single nucleotide variant.
Coding change: c.4473G>T on transcript NM_022455.5 (MANE Select); coding-DNA position 4473, G replaced by T.
Protein change: p.Ser1491=; no amino-acid change (serine 1491 retained).
Molecular consequence: synonymous variant.
Genome position (GRCh38, 1-based): chr5:177,246,772, G>T. VCF-style: chr5-177246772-G-T. GRCh37 (hg19) VCF-style: chr5-176673773-G-T.
Other names: c.3600G>T, p.Ser1200= (NM_001365684.2, NM_001409306.1, NM_001409307.1 and 3 more transcripts); c.4473G>T, p.Ser1491= (NM_001409301.1, NM_001409302.1, NM_001409303.1); c.4053G>T, p.Ser1351= (NM_001409304.1); c.3720G>T, p.Ser1240= (NM_001409305.1).
Identifiers: ClinVar variation 96058 (VCV000096058.33), dbSNP rs150920473, ClinGen allele CA223679.

ClinVar aggregate classification (germline): Conflicting classifications of pathogenicity. Review status: criteria provided, conflicting classifications (1 of 4 stars). 9 submissions from 9 submitters: Uncertain significance (1); Benign (6); Likely benign (2). Last evaluated 2026-08-01.

Conditions:
Sotos syndrome (SOTOS). Also called: CHROMOSOME 5q35 DELETION SYNDROME; CEREBRAL GIGANTISM; Sotos' syndrome; Distinctive facial appearance, overgrowth in childhood, and learning disabilities or delayed development; SOTOS SYNDROME 1. Identifiers: Orphanet 821, MedGen C0175695, MONDO:0019349, OMIM 117550.
Inborn genetic diseases. Identifiers: MedGen C0950123, MeSH D030342.

Allele frequency attached by ClinVar (database versions not stated): ESP Exome Variant Server 0.00015; gnomAD 0.00054; 1000 Genomes Project 30x 0.00062; 1000 Genomes Project 0.00080; TOPMed 0.00108.
gnomAD v4.1: 760 of 1,613,166 alleles (0.047%); highest among the groups gnomAD compares: Admixed American, 0.96%; 5 homozygotes.

Submissions (9):

CeGaT Center for Human Genetics Tuebingen
Classification: Likely benign. Last evaluated: 2026-08-01. Review status: criteria provided, single submitter. Criteria: CeGaT Center For Human Genetics Tuebingen Variant Classification Criteria Version 2. Collection method: clinical testing. Allele origin: germline. Affected: yes. Observed: 11 variant alleles.
Comment: NSD1: BP4, BP7

Labcorp Genetics (formerly Invitae), Labcorp
Classification: Benign. Last evaluated: 2026-01-31. Review status: criteria provided, single submitter. Criteria: Invitae Variant Classification Sherloc (09022015). Collection method: clinical testing. Allele origin: germline.

Blueprint Genetics
Classification: Likely benign. Last evaluated: 2024-11-22. Review status: criteria provided, single submitter. Criteria: ACMG Guidelines, 2015. Collection method: clinical testing. Allele origin: germline.

Genome-Nilou Lab
Classification: Benign for Sotos syndrome. Last evaluated: 2021-07-15. Review status: criteria provided, single submitter. Criteria: ACMG Guidelines, 2015. Collection method: clinical testing. Allele origin: germline. Affected: no.

GeneDx
Classification: Benign. Last evaluated: 2017-04-13. Review status: criteria provided, single submitter. Criteria: GeneDx Variant Classification (06012015). Collection method: clinical testing. Allele origin: germline. Affected: yes.
Comment: This variant is considered likely benign or benign based on one or more of the following criteria: it is a conservative change, it occurs at a poorly conserved position in the protein, it is predicted to be benign by multiple in silico algorithms, and/or has population frequency not consistent with disease.

Eurofins Ntd Llc (ga)
Classification: Benign. Last evaluated: 2016-12-19. Review status: criteria provided, single submitter. Criteria: EGL Classification Definitions 2015. Collection method: clinical testing. Allele origin: germline. Observed: 2 variant alleles, 2 heterozygotes.

Ambry Genetics
Classification: Benign for Inborn genetic diseases. Last evaluated: 2016-08-03. Review status: criteria provided, single submitter. Criteria: Ambry Variant Classification Scheme 2023. Collection method: clinical testing. Allele origin: germline.

Genetic Services Laboratory, University of Chicago
Classification: Uncertain significance for Sotos syndrome 1. Last evaluated: 2013-02-08. Review status: criteria provided, single submitter. Criteria: ACMG Guidelines, 2007. Collection method: clinical testing. Allele origin: germline. Inheritance: Autosomal dominant inheritance.

PreventionGenetics, part of Exact Sciences
Classification: Benign. Review status: criteria provided, single submitter. Criteria: ACMG Guidelines, 2015. Collection method: clinical testing. Allele origin: germline.

Literature cited by the submitters: PubMed 14517949 (cited by Ambry Genetics).